The following is an entry in ClinVar:

ClinVar aggregate classification (germline): Uncertain significance (1 of 4 stars; one submission).

Conditions:
Hyperekplexia 3 (HKPX3). Also called: HYPEREKPLEXIA 3, AUTOSOMAL RECESSIVE; HYPEREKPLEXIA 3, AUTOSOMAL DOMINANT. Identifiers: Orphanet 3197, MedGen C3553288, MONDO:0013827, OMIM 614618.

Submission:

Labcorp Genetics (formerly Invitae), Labcorp
Classification: Uncertain significance for Hyperekplexia 3. Last evaluated: 2022-08-21. Review status: criteria provided, single submitter. Criteria: Invitae Variant Classification Sherloc (09022015). Collection method: clinical testing. Allele origin: germline.
Comment: This sequence change replaces serine, which is neutral and polar, with arginine, which is basic and polar, at codon 155 of the SLC6A5 protein (p.Ser155Arg). This variant is not present in population databases (gnomAD no frequency). This variant has not been reported in the literature in individuals affected with SLC6A5-related conditions. Algorithms developed to predict the effect of missense changes on protein structure and function are either unavailable or do not agree on the potential impact of this missense change (SIFT: "Deleterious"; PolyPhen-2: "Probably Damaging"; Align-GVGD: "Class C0"). In summary, the available evidence is currently insufficient to determine the role of this variant in disease. Therefore, it has been classified as a Variant of Uncertain Significance.

NM_004211.5(SLC6A5):c.465C>G (p.Ser155Arg)

Gene: SLC6A5 (solute carrier family 6 member 5; plus strand). Cytogenetic location: 11p15.1.
Variant type: single nucleotide variant.
Coding change: c.465C>G on transcript NM_004211.5 (MANE Select); coding-DNA position 465, C replaced by G.
Protein change: p.Ser155Arg; replaces serine 155 with arginine.
Molecular consequence: missense variant. On other transcripts: 5 prime UTR variant (1).
Genome position (GRCh38, 1-based): chr11:20,601,590, C>G. VCF-style: chr11-20601590-C-G. GRCh37 (hg19) VCF-style: chr11-20623136-C-G.
Other names: c.-99C>G (NM_001318369.2); short protein forms S155R.
Identifiers: ClinVar variation 1717453 (VCV001717453.5), dbSNP rs2494093881, ClinGen allele CA379912317.
Genomic context (GRCh38, chr11:20,601,590, plus strand): 5'-TGTGGGCAAGGGCACCCTGGAGCGGAACAATACCCCTGTTGTGGGCTGGGTGAACATGAG[C>G]CAGAGCACCGTGGTGCTGGCCACGGATGGAATCACGTCCGTGCTCCCGGGCAGCGTGGCC-3'
Protein context (NP_004202.4, residues 145-165): NTPVVGWVNM[Ser155Arg]QSTVVLATDG